The following is an entry in ClinVar:

Conditions:
Breast-ovarian cancer, familial, susceptibility to, 1 (BROVCA1). Also called: BRCA1 Hereditary Breast and Ovarian Cancer; OVARIAN CANCER, SUSCEPTIBILITY TO. Identifiers: Orphanet 145, MedGen C2676676, MONDO:0011450, OMIM 604370. Disease mechanism: loss of function.

Submission:

Brotman Baty Institute, University of Washington
No classification provided (evidence only). Condition: Breast-ovarian cancer, familial 1. Review status: no classification provided. Collection method: in vitro. Allele origin: not applicable. Functional consequence: functionally_normal.
ClinVar note: "not provided" was previously submitted as the classification for the variant. However, the classification appeared to be based only on an observation of functional data so it was converted to no classification on 2025-07-30.

NM_007294.4(BRCA1):c.5539T>A (p.Cys1847Ser)

Gene: BRCA1 (BRCA1 DNA repair associated; minus strand). Cytogenetic location: 17q21.31.
Variant type: single nucleotide variant.
Coding change: c.5539T>A on transcript NM_007294.4 (MANE Select); coding-DNA position 5539, T replaced by A.
Protein change: p.Cys1847Ser; replaces cysteine 1847 with serine.
Molecular consequence: missense variant. On other transcripts: 3 prime UTR variant (1), non-coding transcript variant (1).
Genome position (GRCh38, 1-based): chr17:43,045,731, A>T on the plus strand (T>A on the coding strand, the complement: BRCA1 is on the minus strand). VCF-style: chr17-43045731-A-T. GRCh37 (hg19) VCF-style: chr17-41197748-A-T.
Other names: c.5455T>A, p.Cys1819Ser (NM_001407661.1, NM_001407662.1, NM_001407663.1 and 2 more transcripts); c.5416T>A, p.Cys1806Ser (NM_001407664.1, NM_001407665.1, NM_001407666.1 and 3 more transcripts); c.5533T>A, p.Cys1845Ser (NM_001407633.1, NM_001407634.1, NM_001407635.1 and 13 more transcripts); c.5536T>A, p.Cys1846Ser (NM_001407614.1, NM_001407615.1, NM_001407616.1 and 14 more transcripts); c.5461T>A, p.Cys1821Ser (NM_001407655.1, NM_001407652.1, NM_001407653.1 and 1 more transcripts); c.5458T>A, p.Cys1820Ser (NM_001407656.1, NM_001407657.1, NM_001407658.1); c.2107T>A, p.Cys703Ser (NM_001408430.1, NM_001408431.1, NM_001408426.1 and 4 more transcripts); c.2104T>A, p.Cys702Ser (NM_001408432.1, NM_001408433.1, NM_001408434.1 and 10 more transcripts); and 74 more; short protein forms C1868S, C1800S, C1847S, C743S, C1678S, C1693S, C1720S, C1759S.
Identifiers: ClinVar variation 867635 (VCV000867635.3), dbSNP rs2050866725, ClinGen allele CA10590246.